The following is an entry in ClinVar:

NM_013266.4(CTNNA3):c.1013C>G (p.Ala338Gly)

Gene: CTNNA3 (catenin alpha 3; minus strand). Cytogenetic location: 10q21.3.
Variant type: single nucleotide variant.
Coding change: c.1013C>G on transcript NM_013266.4 (MANE Select); coding-DNA position 1013, C replaced by G.
Protein change: p.Ala338Gly; replaces alanine 338 with glycine.
Molecular consequence: missense variant.
Genome position (GRCh38, 1-based): chr10:67,180,351, G>C on the plus strand (C>G on the coding strand, the complement: CTNNA3 is on the minus strand). VCF-style: chr10-67180351-G-C. GRCh37 (hg19) VCF-style: chr10-68940109-G-C.
Other names: c.1013C>G, p.Ala338Gly (NM_001127384.3); c.1049C>G, p.Ala350Gly (NM_001291133.2); short protein forms A338G, A350G.
Identifiers: ClinVar variation 4696978 (VCV004696978.1).

ClinVar aggregate classification (germline): Uncertain significance (1 of 4 stars; one submission).

Conditions:
Arrhythmogenic right ventricular dysplasia 13. Also called: Arrhythmogenic right ventricular dysplasia, familial, 13; ARRHYTHMOGENIC RIGHT VENTRICULAR CARDIOMYOPATHY 13. Identifiers: MedGen C3810138, MONDO:0000908, OMIM 615616.

gnomAD v4.1: 2 of 1,613,670 alleles (0.00012%); highest among the groups gnomAD compares: Admixed American, 0.0017%; no homozygotes.

Submission:

Labcorp Genetics (formerly Invitae), Labcorp
Classification: Uncertain significance for Arrhythmogenic right ventricular dysplasia 13. Last evaluated: 2025-06-24. Review status: criteria provided, single submitter. Criteria: Invitae Variant Classification Sherloc (09022015). Collection method: clinical testing. Allele origin: germline.
Comment: This sequence change replaces alanine, which is neutral and non-polar, with glycine, which is neutral and non-polar, at codon 338 of the CTNNA3 protein (p.Ala338Gly). This variant is present in population databases (no rsID available, gnomAD 0.003%). This variant has not been reported in the literature in individuals affected with CTNNA3-related conditions. Invitae Evidence Modeling of protein sequence and biophysical properties (such as structural, functional, and spatial information, amino acid conservation, physicochemical variation, residue mobility, and thermodynamic stability) indicates that this missense variant is expected to disrupt CTNNA3 protein function with a positive predictive value of 80%. In summary, the available evidence is currently insufficient to determine the role of this variant in disease. Therefore, it has been classified as a Variant of Uncertain Significance.